The following is an entry in ClinVar:

NM_000091.5(COL4A3):c.65C>A (p.Ala22Glu)

Genes: COL4A3 (collagen type IV alpha 3 chain; plus strand), LOC129935730 (ATAC-STARR-seq lymphoblastoid silent region 12397; plus strand). Cytogenetic location: 2q36.3.
Variant type: single nucleotide variant.
Coding change: c.65C>A on transcript NM_000091.5 (MANE Select); coding-DNA position 65, C replaced by A.
Protein change: p.Ala22Glu; replaces alanine 22 with glutamic acid.
Molecular consequence: missense variant.
Genome position (GRCh38, 1-based): chr2:227,164,791, C>A. VCF-style: chr2-227164791-C-A. GRCh37 (hg19) VCF-style: chr2-228029507-C-A.
Other names: short protein forms A22E.
Identifiers: ClinVar variation 3351900 (VCV003351900.2).

ClinVar aggregate classification (germline): Uncertain significance. Review status: criteria provided, single submitter (1 of 4 stars). 2 submissions from 2 submitters: Uncertain significance (1). 1 of the submissions does not count toward it. Last evaluated 2024-01-03.

Conditions:
COL4A3-related disorder. Also called: COL4A3-Related Disorders; COL4A3-related condition.
Hematuria, benign familial, 2 (BFH2). Identifiers: MedGen C5830421, MONDO:0958186, OMIM 620320.
Alport syndrome 3b, autosomal recessive. Identifiers: MedGen C5882699, MONDO:0957811, OMIM 620536.
Autosomal dominant Alport syndrome (ATS3A). Also called: ALPORT SYNDROME 3A, AUTOSOMAL DOMINANT; Alport syndrome dominant type; Renal failure and sensorineural hearing loss. Identifiers: Orphanet 63, Orphanet 88918, MedGen C5882663, MONDO:0007086, OMIM 104200.

Submissions (2):

Fulgent Genetics
Classification: Uncertain significance for Autosomal dominant Alport syndrome; Hematuria, benign familial, 2; Alport syndrome 3b, autosomal recessive. Last evaluated: 2024-01-03. Review status: criteria provided, single submitter. Criteria: ACMG Guidelines, 2015. Collection method: clinical testing. Allele origin: germline.

PreventionGenetics, part of Exact Sciences
Classification: Uncertain significance for COL4A3-related condition. Last evaluated: 2024-04-17. Review status: no assertion criteria provided. Collection method: clinical testing. Allele origin: germline. Not counted in ClinVar's aggregate classification.
Comment: The COL4A3 c.65C>A variant is predicted to result in the amino acid substitution p.Ala22Glu. To our knowledge, this variant has not been reported in the literature. This variant is reported in 0.012% of alleles in individuals of African descent in gnomAD. At this time, the clinical significance of this variant is uncertain due to the absence of conclusive functional and genetic evidence.